The following is an entry in ClinVar:

NM_006790.3(MYOT):c.220C>A (p.Gln74Lys)

Genes: MYOT (myotilin; plus strand), PKD2L2-DT (PKD2L2 divergent transcript; minus strand). Cytogenetic location: 5q31.2.
Variant type: single nucleotide variant.
Coding change: c.220C>A on transcript NM_006790.3 (MANE Select); coding-DNA position 220, C replaced by A.
Protein change: p.Gln74Lys; replaces glutamine 74 with lysine.
Molecular consequence: missense variant. On other transcripts: intron variant (2).
Genome position (GRCh38, 1-based): chr5:137,870,871, C>A. VCF-style: chr5-137870871-C-A. GRCh37 (hg19) VCF-style: chr5-137206560-A-A.
Other names: c.-120-6C>A (NM_001300911.2); c.-197+346C>A (NM_001135940.2); short protein forms Q74K.
Identifiers: ClinVar variation 464369 (VCV000464369.14), dbSNP rs6890689, ClinGen allele CA128097466.
Genomic context (GRCh38, chr5:137,870,871, plus strand): 5'-GCCTCCTCAACACTGAGCTCTCACATCACCATGTCCTCCTCTGCTTTCCCTGCTTCTCCC[C>A]AGCAGCATGCTGGCTCCAACCCAGGCCAAAGGGTTACAACCACCTATAACCAGTCCCCAG-3'
Protein context (NP_006781.1, residues 64-84): MSSSAFPASP[Gln74Lys]QHAGSNPGQR

ClinVar aggregate classification (germline): Benign/Likely benign. Review status: criteria provided, multiple submitters, no conflicts (2 of 4 stars). 4 submissions from 4 submitters: Benign (3); Likely benign (1). Last evaluated 2026-01-27.

Conditions:
Myofibrillar myopathy 3 (MFM3). Also called: Autosomal dominant spheroid body myopathy; Muscular dystrophy, proximal, type 1A. Identifiers: Orphanet 266, Orphanet 268129, MedGen C3714934, MONDO:0012215, OMIM 609200.

Allele frequency attached by ClinVar (database versions not stated): gnomAD exomes 0.00135; gnomAD 0.01355 and 0.01460; TOPMed 0.01587; 1000 Genomes Project 30x 0.01671.
gnomAD v4.1: 4,088 of 1,614,194 alleles (0.25%); highest among the groups gnomAD compares: African/African-American, 4.7%; 88 homozygotes.

Submissions (4):

Labcorp Genetics (formerly Invitae), Labcorp
Classification: Likely benign for Myofibrillar myopathy 3. Last evaluated: 2026-01-27. Review status: criteria provided, single submitter. Criteria: Invitae Variant Classification Sherloc (09022015). Collection method: clinical testing. Allele origin: germline.

Mendelics
Classification: Benign. Last evaluated: 2022-05-04. Review status: criteria provided, single submitter. Criteria: Mendelics Assertion Criteria 2019. Collection method: clinical testing. Allele origin: germline.

GeneDx
Classification: Benign. Last evaluated: 2017-11-09. Review status: criteria provided, single submitter. Criteria: GeneDx Variant Classification (06012015). Collection method: clinical testing. Allele origin: germline. Affected: yes.
Comment: This variant is considered likely benign or benign based on one or more of the following criteria: it is a conservative change, it occurs at a poorly conserved position in the protein, it is predicted to be benign by multiple in silico algorithms, and/or has population frequency not consistent with disease.

Athena Diagnostics
Classification: Benign. Last evaluated: 2017-09-28. Review status: criteria provided, single submitter. Criteria: Athena Diagnostics Criteria. Collection method: clinical testing. Allele origin: germline.

Literature cited by the submitters: PubMed 15947064 (cited by Athena Diagnostics); PubMed 20981092 (cited by Athena Diagnostics); PubMed 27884173 (cited by Athena Diagnostics); PubMed 22995991 (cited by Athena Diagnostics); PubMed 25617006 (cited by Athena Diagnostics); PubMed 17221859 (cited by Athena Diagnostics); PubMed 18653338 (cited by Athena Diagnostics).